The following is an entry in ClinVar:

ClinVar aggregate classification (germline): Pathogenic/Likely pathogenic. Review status: criteria provided, multiple submitters, no conflicts (2 of 4 stars). 2 submissions from 2 submitters: Pathogenic (1); Likely pathogenic (1). Last evaluated 2023-07-20.

Conditions:
Retinitis pigmentosa 25 (RP25). Identifiers: Orphanet 791, MedGen C1864446, MONDO:0011272, OMIM 602772.

Submissions (2):

Baylor Genetics
Classification: Likely pathogenic for Retinitis pigmentosa 25. Last evaluated: 2023-07-20. Review status: criteria provided, single submitter. Criteria: ACMG Guidelines, 2015. Collection method: clinical testing. Allele origin: unknown.

Labcorp Genetics (formerly Invitae), Labcorp
Classification: Pathogenic. Last evaluated: 2020-03-23. Review status: criteria provided, single submitter. Criteria: Invitae Variant Classification Sherloc (09022015). Collection method: clinical testing. Allele origin: germline.
Comment: For these reasons, this variant has been classified as Pathogenic. Loss-of-function variants in EYS are known to be pathogenic (PMID: 18836446, 20333770). This variant has not been reported in the literature in individuals with EYS-related conditions. This variant is not present in population databases (ExAC no frequency). This sequence change creates a premature translational stop signal (p.Pro1385Serfs*2) in the EYS gene. It is expected to result in an absent or disrupted protein product.

Literature cited by the submitters: PubMed 18836446 (cited by Labcorp Genetics (formerly Invitae), Labcorp); PubMed 20333770 (cited by Labcorp Genetics (formerly Invitae), Labcorp).

NM_001142800.2(EYS):c.4152dup (p.Pro1385fs)

Gene: EYS (EGF-like photoreceptor maintenance factor; minus strand). Cytogenetic location: 6q12.
Variant type: Duplication.
Coding change: c.4152dup on transcript NM_001142800.2 (MANE Select); coding-DNA position 4152, one base duplicated (T; older notation c.4152dupT).
Protein change: p.Pro1385fs; shifts the reading frame from proline 1385.
Molecular consequence: frameshift variant.
Genome position (GRCh38, 1-based): chr6:64,591,715, A duplicated on the plus strand (T on the coding strand, the reverse complement: EYS is on the minus strand); the first of 6 consecutive A bases (chr6:64,591,715-64,591,720); duplicating any one gives the same sequence. VCF-style (leftmost placement, unchanged base first): chr6-64591714-G-GA. GRCh37 (hg19) VCF-style: chr6-65301607-G-GA.
Other names: c.4152dup, p.Pro1385fs (NM_001292009.2); short protein forms P1385fs.
Identifiers: ClinVar variation 1072642 (VCV001072642.8), dbSNP rs1185686653, ClinGen allele CA2499218452.